The following is an entry in ClinVar:

NM_000271.5(NPC1):c.2926T>C (p.Cys976Arg)

Gene: NPC1 (NPC intracellular cholesterol transporter 1; minus strand). Cytogenetic location: 18q11.2.
Variant type: single nucleotide variant.
Coding change: c.2926T>C on transcript NM_000271.5 (MANE Select); coding-DNA position 2926, T replaced by C.
Protein change: p.Cys976Arg; replaces cysteine 976 with arginine.
Molecular consequence: missense variant.
Genome position (GRCh38, 1-based): chr18:23,538,657, A>G on the plus strand (T>C on the coding strand, the complement: NPC1 is on the minus strand). VCF-style: chr18-23538657-A-G. GRCh37 (hg19) VCF-style: chr18-21118621-A-G.
Other names: short protein forms C976R.
Identifiers: ClinVar variation 2736702 (VCV002736702.4), dbSNP rs769570326, ClinGen allele CA401792319.

ClinVar aggregate classification (germline): Conflicting classifications of pathogenicity. Review status: criteria provided, conflicting classifications (1 of 4 stars). 2 submissions from 2 submitters: Likely pathogenic (1); Uncertain significance (1). Last evaluated 2026-06-17.

Conditions:
Niemann-Pick disease, type C1. Also called: NIEMANN-PICK DISEASE WITH CHOLESTEROL ESTERIFICATION BLOCK; NIEMANN-PICK DISEASE WITHOUT SPHINGOMYELINASE DEFICIENCY; NIEMANN-PICK DISEASE, CHRONIC NEURONOPATHIC FORM; NIEMANN-PICK DISEASE, VARIANT TYPE C1; NEUROVISCERAL STORAGE DISEASE WITH VERTICAL SUPRANUCLEAR OPHTHALMOPLEGIA. Identifiers: Orphanet 646, MedGen C3179455, MONDO:0009757, OMIM 257220.

gnomAD v4.1: 1 of 1,614,136 alleles (0.000062%); highest among the groups gnomAD compares: Non-Finnish European, 0.000085%; no homozygotes.

Submissions (2):

Myriad Genetics, Inc.
Classification: Uncertain significance for Niemann-Pick disease, type C1. Last evaluated: 2026-06-17. Review status: criteria provided, single submitter. Criteria: Myriad Autosomal Dominant, Autosomal Recessive and X-Linked Classification Criteria (2023). Collection method: clinical testing. Allele origin: unknown.
Comment: NM_000271.4(NPC1):c.2926T>C(C976R) is a missense variant classified as a variant of uncertain significance in the context of Niemann-Pick disease type C1. C976R has been observed in cases with relevant disease (PMID: 11349231, 19744920). Relevant functional assessments of this variant are not available in the literature. C976R has not been observed in referenced population frequency databases. In summary, there is insufficient evidence to classify NM_000271.4(NPC1):c.2926T>C(C976R) as pathogenic or benign. Please note: this variant was assessed in the context of healthy population screening.

Labcorp Genetics (formerly Invitae), Labcorp
Classification: Likely pathogenic for Niemann-Pick disease, type C1. Last evaluated: 2023-01-31. Review status: criteria provided, single submitter. Criteria: Invitae Variant Classification Sherloc (09022015). Collection method: clinical testing. Allele origin: germline.
Comment: In summary, the currently available evidence indicates that the variant is pathogenic, but additional data are needed to prove that conclusively. Therefore, this variant has been classified as Likely Pathogenic. This sequence change replaces cysteine, which is neutral and slightly polar, with arginine, which is basic and polar, at codon 976 of the NPC1 protein (p.Cys976Arg). This variant is not present in population databases (gnomAD no frequency). This missense change has been observed in individual(s) with Niemann-Pick type C (PMID: 11349231, 19744920). Advanced modeling of protein sequence and biophysical properties (such as structural, functional, and spatial information, amino acid conservation, physicochemical variation, residue mobility, and thermodynamic stability) performed at Invitae indicates that this missense variant is expected to disrupt NPC1 protein function.

Literature cited by the submitters: PubMed 11349231 (cited by Myriad Genetics, Inc. and Labcorp Genetics (formerly Invitae), Labcorp); PubMed 19744920 (cited by Myriad Genetics, Inc. and Labcorp Genetics (formerly Invitae), Labcorp).